The following is an entry in ClinVar:

ClinVar aggregate classification (germline): Uncertain significance (1 of 4 stars; one submission).

Conditions:
Familial thoracic aortic aneurysm and aortic dissection (TAAD). Also called: Thoracic aortic aneurysms and dissections. Identifiers: Orphanet 91387, MedGen C4707243, MONDO:0019625.

Allele frequency attached by ClinVar (database versions not stated): gnomAD exomes below 0.00001; TOPMed below 0.00001; gnomAD 0.00001.
gnomAD v4.1: 2 of 1,614,056 alleles (0.00012%); highest among the groups gnomAD compares: Non-Finnish European, 0.00017%; no homozygotes.

Submission:

Ambry Genetics
Classification: Uncertain significance for Familial thoracic aortic aneurysm and aortic dissection. Last evaluated: 2022-03-11. Review status: criteria provided, single submitter. Criteria: Ambry Variant Classification Scheme 2023. Collection method: clinical testing. Allele origin: germline.
Comment: The p.K1347I variant (also known as c.4040A>T), located in coding exon 32 of the FBN1 gene, results from an A to T substitution at nucleotide position 4040. The lysine at codon 1347 is replaced by isoleucine, an amino acid with dissimilar properties. This alteration has been reported in a subject with features of Marfan syndrome (Baudhuin LM et al. J Hum Genet, 2015 May;60:241-52). This amino acid position is well conserved in available vertebrate species. In addition, the in silico prediction for this alteration is inconclusive. Since supporting evidence is limited at this time, the clinical significance of this alteration remains unclear.

Literature cited by the submitters: PubMed 25652356.

NM_000138.5(FBN1):c.4040A>T (p.Lys1347Ile)

Gene: FBN1 (fibrillin 1; minus strand). Cytogenetic location: 15q21.1.
Variant type: single nucleotide variant.
Coding change: c.4040A>T on transcript NM_000138.5 (MANE Select); coding-DNA position 4040, A replaced by T.
Protein change: p.Lys1347Ile; replaces lysine 1347 with isoleucine.
Molecular consequence: missense variant.
Genome position (GRCh38, 1-based): chr15:48,474,575, T>A on the plus strand (A>T on the coding strand, the complement: FBN1 is on the minus strand). VCF-style: chr15-48474575-T-A. GRCh37 (hg19) VCF-style: chr15-48766772-T-A.
Other names: c.4040A>T, p.Lys1347Ile (NM_001406716.1); short protein forms K1347I.
Identifiers: ClinVar variation 1737282 (VCV001737282.2), dbSNP rs1324566861, ClinGen allele CA392320500.